The following is an entry in ClinVar:

ClinVar aggregate classification (germline): Uncertain significance. Review status: criteria provided, multiple submitters, no conflicts (2 of 4 stars). 6 submissions from 5 submitters: Uncertain significance (6). Last evaluated 2025-02-25.

Conditions:
Pheochromocytoma. Also called: MAX-Related Hereditary Paraganglioma-Pheochromocytoma Syndrome. Identifiers: Orphanet 29072, MedGen C0031511, MONDO:0008233, OMIM 171300, HP:0002666.
Charcot-Marie-Tooth disease type 2. Also called: Charcot-Marie-Tooth type 2. Identifiers: Orphanet 64746, MedGen C0270914, MONDO:0018993.
EMG abnormality. Identifiers: MedGen C0476403, HP:0003457.
Joint laxity. Identifiers: MedGen C0086437.
Pain. Identifiers: MedGen C0030193, HP:0012531.
EMG: myopathic abnormalities. Identifiers: MedGen C4021726, HP:0003458.

Allele frequency attached by ClinVar (database versions not stated): ExAC 0.00002; gnomAD exomes 0.00002 and 0.00006; gnomAD 0.00004; TOPMed 0.00005.
gnomAD v4.1: 92 of 1,614,036 alleles (0.0057%); highest among the groups gnomAD compares: Non-Finnish European, 0.0072%; no homozygotes.

Submissions (6):

Ambry Genetics
Classification: Uncertain significance. Last evaluated: 2025-02-25. Review status: criteria provided, single submitter. Criteria: Ambry Variant Classification Scheme 2023. Collection method: clinical testing. Allele origin: germline.
Comment: The p.E825K variant (also known as c.2473G>A), located in coding exon 23 of the KIF1B gene, results from a G to A substitution at nucleotide position 2473. The glutamic acid at codon 825 is replaced by lysine, an amino acid with similar properties. This amino acid position is highly conserved in available vertebrate species. In addition, the in silico prediction for this alteration is inconclusive. The evidence for this gene-disease relationship is limited; therefore, the clinical significance of this alteration is unclear.

Labcorp Genetics (formerly Invitae), Labcorp
Classification: Uncertain significance for Charcot-Marie-Tooth disease type 2. Last evaluated: 2024-07-08. Review status: criteria provided, single submitter. Criteria: Invitae Variant Classification Sherloc (09022015). Collection method: clinical testing. Allele origin: germline.
Comment: This sequence change replaces glutamic acid, which is acidic and polar, with lysine, which is basic and polar, at codon 825 of the KIF1B protein (p.Glu825Lys). This variant is present in population databases (rs763122049, gnomAD 0.008%). This variant has not been reported in the literature in individuals affected with KIF1B-related conditions. ClinVar contains an entry for this variant (Variation ID: 373920). Advanced modeling of protein sequence and biophysical properties (such as structural, functional, and spatial information, amino acid conservation, physicochemical variation, residue mobility, and thermodynamic stability) performed at Invitae indicates that this missense variant is not expected to disrupt KIF1B protein function with a negative predictive value of 80%. In summary, the available evidence is currently insufficient to determine the role of this variant in disease. Therefore, it has been classified as a Variant of Uncertain Significance.

Blueprint Genetics
Classification: Uncertain significance. Last evaluated: 2022-10-14. Review status: criteria provided, single submitter. Criteria: ACMG Guidelines, 2015. Collection method: clinical testing. Allele origin: germline.

St. Jude Molecular Pathology, St. Jude Children's Research Hospital
Classification: Uncertain significance for Pheochromocytoma. Last evaluated: 2021-12-22. Review status: criteria provided, single submitter. Criteria: St. Jude Assertion Criteria 2020. Collection method: clinical testing. Allele origin: germline.
Comment: The KIF1B c.2473G>A (p.Glu825Lys) missense change has a maximum subpopulation frequency of 0.0080% in gnomAD v2.1.1. This variant occurs in a gene where missense variants are more likely to be damaging based on methods described by Lek et al. (PP2; PMID: 27535533). Five of seven in silico tools predict a benign effect of this variant on protein function (BP4), but to our knowledge these predictions have not been confirmed by functional assays. This variant has been reported in one individual with Charcot-Marie-Tooth disease Type 2 (PMID: 26392352). To our knowledge, this variant has not been reported in individuals with pheochromocytoma or neuroblastoma. In summary, this variant meets criteria to be classified as of uncertain significance based on the ACMG/AMP criteria: BP4, PP2.

Centre for Mendelian Genomics, University Medical Centre Ljubljana
Classification: Uncertain significance for Pheochromocytoma. Last evaluated: 2016-01-01. Review status: criteria provided, single submitter. Criteria: ACMG Guidelines, 2015. Collection method: clinical testing. Allele origin: unknown. Affected: yes.
Comment: This variant was classified as: Uncertain significance.

Centre for Mendelian Genomics, University Medical Centre Ljubljana
Classification: Uncertain significance for EMG abnormality; EMG: myopathic abnormalities; Joint hypermobility; Pain. Last evaluated: 2015-09-23. Review status: criteria provided, single submitter. Criteria: ACMG Guidelines, 2015. Collection method: clinical testing. Allele origin: unknown. Affected: yes.

Literature cited by the submitters: PubMed 26392352 (cited by Ambry Genetics).

NM_001365951.3(KIF1B):c.2611G>A (p.Glu871Lys)

Gene: KIF1B (kinesin family member 1B; plus strand). Cytogenetic location: 1p36.22.
Variant type: single nucleotide variant.
Coding change: c.2611G>A on transcript NM_001365951.3 (MANE Select); coding-DNA position 2611, G replaced by A.
Protein change: p.Glu871Lys; replaces glutamic acid 871 with lysine.
Molecular consequence: missense variant.
Genome position (GRCh38, 1-based): chr1:10,324,831, G>A. VCF-style: chr1-10324831-G-A. GRCh37 (hg19) VCF-style: chr1-10384889-G-A.
Other names: c.2611G>A, p.Glu871Lys (NM_001365952.1); c.2473G>A, p.Glu825Lys (NM_015074.3); short protein forms E825K, E871K.
Identifiers: ClinVar variation 373920 (VCV000373920.21), dbSNP rs763122049, ClinGen allele CA581568.